The following is an entry in ClinVar:

NM_001009944.3(PKD1):c.12220_12221del (p.Leu4074fs)

Gene: PKD1 (polycystin 1, transient receptor potential channel interacting; minus strand). Cytogenetic location: 16p13.3.
Variant type: Deletion.
Coding change: c.12220_12221del on transcript NM_001009944.3 (MANE Select); coding-DNA positions 12220 to 12221, 2 bases deleted (CT; older notation c.12220_12221delCT).
Protein change: p.Leu4074fs; shifts the reading frame from leucine 4074.
Molecular consequence: frameshift variant.
Genome position (GRCh38, 1-based): chr16:2,090,508-2,090,509, AG deleted on the plus strand (CT on the coding strand, the reverse complement: PKD1 is on the minus strand). VCF-style (leftmost placement, unchanged base first): chr16-2090507-CAG-C. GRCh37 (hg19) VCF-style: chr16-2140508-CAG-C.
Other names: c.12217_12218del, p.Leu4073fs (NM_000296.4); short protein forms L4073fs, L4074fs.
Identifiers: ClinVar variation 3578866 (VCV003578866.2).
Genomic context (GRCh38, chr16:2,090,507, plus strand): 5'-CCGCAGTGCCCAGAGCCCCACACACAGCAGGGGTGACAGGTGCCAGGACTCGGCAGGACA[CAG>C]GGTAGAGAGCCCAGTCCCAGGGCACAGCACCAACAGGGCCTGGGCCACGCTCCAGAGGGA-3'

ClinVar aggregate classification (germline): Pathogenic/Likely pathogenic. Review status: criteria provided, multiple submitters, no conflicts (2 of 4 stars). 2 submissions from 2 submitters: Pathogenic (1); Likely pathogenic (1). Last evaluated 2024-04-23.

Conditions:
Polycystic kidney disease, adult type (PKD1). Also called: Polycystic Kidney, Autosomal Dominant; POLYCYSTIC KIDNEY DISEASE, ADULT, TYPE I; Polycystic Kidney Disease 1, Autosomal Dominant; Polycystic kidney disease 1; Polycystic kidney disease 1, severe; POLYCYSTIC KIDNEY DISEASE 1 WITH OR WITHOUT POLYCYSTIC LIVER DISEASE. Identifiers: MedGen C3149841, MONDO:0008263, OMIM 173900.

Submissions (2):

Fulgent Genetics
Classification: Pathogenic for Polycystic kidney disease, adult type. Last evaluated: 2024-04-23. Review status: criteria provided, single submitter. Criteria: ACMG Guidelines, 2015. Collection method: clinical testing. Allele origin: germline.

Juno Genomics, Hangzhou Juno Genomics, Inc
Classification: Likely pathogenic for Polycystic kidney disease, adult type. Review status: criteria provided, single submitter. Criteria: ACMG Guidelines, 2015. Collection method: clinical testing. Allele origin: germline. Affected: yes.
Comment: Absent from controls (or at extremely low frequency if recessive) in Genome Aggregation Database.;Null variant in a gene where loss of function (LOF) is a known mechanism of disease.;The prevalence of the variant in affected individuals is significantly increased compared to the prevalence in controls.;Patient's phenotype or family history is highly specific for a disease with a single genetic etiology.